The following is an entry in ClinVar:

NM_006648.4(WNK2):c.325G>A (p.Gly109Arg)

Gene: WNK2 (WNK lysine deficient protein kinase 2; plus strand). Cytogenetic location: 9q22.31.
Variant type: single nucleotide variant.
Coding change: c.325G>A on transcript NM_006648.4 (MANE Select); coding-DNA position 325, G replaced by A.
Protein change: p.Gly109Arg; replaces glycine 109 with arginine.
Molecular consequence: missense variant.
Genome position (GRCh38, 1-based): chr9:93,185,254, G>A. VCF-style: chr9-93185254-G-A. GRCh37 (hg19) VCF-style: chr9-95947536-G-A.
Other names: c.325G>A, p.Gly109Arg (NM_001282394.3); short protein forms G109R.
Identifiers: ClinVar variation 3816443 (VCV003816443.1).
Genomic context (GRCh38, chr9:93,185,254, plus strand): 5'-GCCCGCGGACGCCCCGCCGCCCCCGCGCCCGCAGCGCTGGTAGCGCAGCCGGGAGCCCCC[G>A]GAGCCCCCGCGGACGCCGGCCCCGAGCCCGTGGGCACGCAGGAGCCCGGCCCGGACCCCA-3'
Protein context (NP_006639.3, residues 99-119): AALVAQPGAP[Gly109Arg]APADAGPEPV

ClinVar aggregate classification (germline): Uncertain significance (1 of 4 stars; one submission).

gnomAD v4.1: 3 of 1,262,804 alleles (0.00024%); highest among the groups gnomAD compares: Non-Finnish European, 0.0003%; no homozygotes.

Submission:

Ambry Genetics
Classification: Uncertain significance. Last evaluated: 2024-12-12. Review status: criteria provided, single submitter. Criteria: Ambry Variant Classification Scheme 2023. Collection method: clinical testing. Allele origin: germline.
Comment: The p.G109R variant (also known as c.325G>A), located in coding exon 1 of the WNK2 gene, results from a G to A substitution at nucleotide position 325. The glycine at codon 109 is replaced by arginine, an amino acid with dissimilar properties. This amino acid position is conserved. In addition, this alteration is predicted to be tolerated by in silico analysis. Based on the available evidence, the clinical significance of this variant remains unclear.